The following is an entry in ClinVar:

ClinVar aggregate classification (germline): Conflicting classifications of pathogenicity. Review status: criteria provided, conflicting classifications (1 of 4 stars). 4 submissions from 4 submitters: Pathogenic (1); Likely pathogenic (2); Uncertain significance (1). Last evaluated 2025-08-06.

Conditions:
Febrile seizures, familial, 4 (FEB4). Also called: CONVULSIONS, FAMILIAL FEBRILE, 4. Identifiers: MedGen C1858493, MONDO:0011443, OMIM 604352.
Usher syndrome type 2C. Also called: USHER SYNDROME, TYPE IIC; Usher syndrome, type 2B. Identifiers: Orphanet 231178, Orphanet 886, MedGen C2931213, MONDO:0011558, OMIM 605472.
ADGRV1-related disorder. Also called: ADGRV1-related disorders; ADGRV1-related condition.

Allele frequency attached by ClinVar (database versions not stated): TOPMed 0.00001; gnomAD 0.00002.
gnomAD v4.1: 20 of 1,600,736 alleles (0.0012%); highest among the groups gnomAD compares: Non-Finnish European, 0.0015%; no homozygotes.

Submissions (4):

First Genomix Gene Laboratory, Genetic Diagnostics Department
Classification: Pathogenic for Usher syndrome type 2C. Last evaluated: 2025-08-06. Review status: criteria provided, single submitter. Criteria: ACMG Guidelines, 2015. Collection method: clinical testing. Allele origin: germline. Inheritance: Autosomal recessive inheritance. Affected: no. Observed: 1 variant allele.

Medgenome Labs Ltd
Classification: Uncertain significance for Febrile seizures, familial, 4. Last evaluated: 2025-04-07. Review status: criteria provided, single submitter. Criteria: ACMG Guidelines, 2015. Collection method: clinical testing. Allele origin: de novo. Affected: yes.

Labcorp Genetics (formerly Invitae), Labcorp
Classification: Likely pathogenic. Last evaluated: 2024-03-04. Review status: criteria provided, single submitter. Criteria: Invitae Variant Classification Sherloc (09022015). Collection method: clinical testing. Allele origin: germline.
Comment: This sequence change affects a donor splice site in intron 68 of the ADGRV1 gene. It is expected to disrupt RNA splicing. Variants that disrupt the donor or acceptor splice site typically lead to a loss of protein function (PMID: 16199547), and loss-of-function variants in ADGRV1 are known to be pathogenic (PMID: 19357117, 22135276, 22147658, 26226137, 30718709, 31047384, 32467589). This variant is present in population databases (no rsID available, gnomAD 0.01%). Disruption of this splice site has been observed in individual(s) with hearing loss (PMID: 27068579). ClinVar contains an entry for this variant (Variation ID: 1067215). Algorithms developed to predict the effect of sequence changes on RNA splicing suggest that this variant may disrupt the consensus splice site. In summary, the currently available evidence indicates that the variant is pathogenic, but additional data are needed to prove that conclusively. Therefore, this variant has been classified as Likely Pathogenic.

Blueprint Genetics
Classification: Likely pathogenic for ADGRV1-related disorders. Last evaluated: 2023-12-22. Review status: criteria provided, single submitter. Criteria: ACMG Guidelines, 2015. Collection method: clinical testing. Allele origin: germline. Affected: yes. Observed: 4 variant alleles.

Literature cited by the submitters: PubMed 16199547 (cited by Labcorp Genetics (formerly Invitae), Labcorp); PubMed 19357117 (cited by Labcorp Genetics (formerly Invitae), Labcorp); PubMed 22135276 (cited by Labcorp Genetics (formerly Invitae), Labcorp); PubMed 22147658 (cited by Labcorp Genetics (formerly Invitae), Labcorp); PubMed 26226137 (cited by Labcorp Genetics (formerly Invitae), Labcorp); PubMed 30718709 (cited by Labcorp Genetics (formerly Invitae), Labcorp); PubMed 31047384 (cited by Labcorp Genetics (formerly Invitae), Labcorp); PubMed 32467589 (cited by Labcorp Genetics (formerly Invitae), Labcorp); PubMed 27068579 (cited by Labcorp Genetics (formerly Invitae), Labcorp).

NM_032119.4(ADGRV1):c.13893+1G>A

Gene: ADGRV1 (adhesion G protein-coupled receptor V1; plus strand). Cytogenetic location: 5q14.3.
Variant type: single nucleotide variant.
Coding change: c.13893+1G>A on transcript NM_032119.4 (MANE Select); the canonical splice donor site of the intron after coding-DNA position 13893, G replaced by A.
Molecular consequence: splice donor variant.
Genome position (GRCh38, 1-based): chr5:90,788,311, G>A. VCF-style: chr5-90788311-G-A. GRCh37 (hg19) VCF-style: chr5-90084128-G-A.
Identifiers: ClinVar variation 1067215 (VCV001067215.10), dbSNP rs1472239682, ClinGen allele CA360396980.
Genomic context (GRCh38, chr5:90,788,311, plus strand): 5'-CTTCATCTTGTGAAAGGAGAAGCTAAATTAGACTCCAGAGCTAAAGATGTTACATTAACC[G>A]TATGTATGGCTTTATTTTTCTCACAAAATGTGGATTTCATGGATTTATCAGAAAATACAT-3'